The following is an entry in ClinVar:

NM_000222.3(KIT):c.472A>G (p.Lys158Glu)

Gene: KIT (KIT proto-oncogene, receptor tyrosine kinase; plus strand). Cytogenetic location: 4q12.
Variant type: single nucleotide variant.
Coding change: c.472A>G on transcript NM_000222.3 (MANE Select); coding-DNA position 472, A replaced by G.
Protein change: p.Lys158Glu; replaces lysine 158 with glutamic acid.
Molecular consequence: missense variant.
Genome position (GRCh38, 1-based): chr4:54,698,418, A>G. VCF-style: chr4-54698418-A-G. GRCh37 (hg19) VCF-style: chr4-55564584-A-G.
Other names: c.472A>G, p.Lys158Glu (NM_001093772.2, NM_001385284.1, NM_001385285.1 and 4 more transcripts); short protein forms K158E.
Identifiers: ClinVar variation 1371966 (VCV001371966.9), dbSNP rs770362669, ClinGen allele CA2923247.
Genomic context (GRCh38, chr4:54,698,418, plus strand): 5'-CTCACAGACCCAGAAGTGACCAATTATTCCCTCAAGGGGTGCCAGGGGAAGCCTCTTCCC[A>G]AGGACTTGAGGTTTATTCCTGACCCCAAGGCGGGCATCATGATCAAAAGTGTGAAACGCG-3'
Protein context (NP_000213.1, residues 148-168): LKGCQGKPLP[Lys158Glu]DLRFIPDPKA

ClinVar aggregate classification (germline): Uncertain significance. Review status: criteria provided, multiple submitters, no conflicts (2 of 4 stars). 2 submissions from 2 submitters: Uncertain significance (2). Last evaluated 2024-09-22.

Conditions:
Gastrointestinal stromal tumor. Also called: Gastrointestinal stroma tumor; Gastrointestinal stromal tumor, somatic. Identifiers: Orphanet 44890, MedGen C0238198, MeSH D046152, MONDO:0011719, OMIM 606764, HP:0100723.
Hereditary cancer-predisposing syndrome. Also called: Tumor predisposition; Hereditary Cancer Syndrome; Hereditary neoplastic syndrome; Neoplastic Syndromes, Hereditary. Identifiers: Orphanet 140162, MedGen C0027672, MeSH D009386, MONDO:0015356.

Allele frequency attached by ClinVar (database versions not stated): gnomAD exomes below 0.00001; ExAC 0.00001.
gnomAD v4.1: 2 of 1,614,166 alleles (0.00012%); highest among the groups gnomAD compares: Non-Finnish European, 0.00017%; no homozygotes.

Submissions (2):

Ambry Genetics
Classification: Uncertain significance for Hereditary cancer-predisposing syndrome. Last evaluated: 2024-09-22. Review status: criteria provided, single submitter. Criteria: Ambry Variant Classification Scheme 2023. Collection method: clinical testing. Allele origin: germline.
Comment: The p.K158E variant (also known as c.472A>G), located in coding exon 3 of the KIT gene, results from an A to G substitution at nucleotide position 472. The lysine at codon 158 is replaced by glutamic acid, an amino acid with similar properties. This amino acid position is conserved. In addition, this alteration is predicted to be tolerated by in silico analysis. Since supporting evidence is limited at this time, the clinical significance of this alteration remains unclear.

Labcorp Genetics (formerly Invitae), Labcorp
Classification: Uncertain significance for Gastrointestinal stromal tumor. Last evaluated: 2024-04-01. Review status: criteria provided, single submitter. Criteria: Invitae Variant Classification Sherloc (09022015). Collection method: clinical testing. Allele origin: germline.
Comment: This sequence change replaces lysine, which is basic and polar, with glutamic acid, which is acidic and polar, at codon 158 of the KIT protein (p.Lys158Glu). This variant is present in population databases (rs770362669, gnomAD 0.0009%). This variant has not been reported in the literature in individuals affected with KIT-related conditions. ClinVar contains an entry for this variant (Variation ID: 1371966). Algorithms developed to predict the effect of missense changes on protein structure and function output the following: SIFT: "Not Available"; PolyPhen-2: "Benign"; Align-GVGD: "Not Available". The glutamic acid amino acid residue is found in multiple mammalian species, which suggests that this missense change does not adversely affect protein function. In summary, the available evidence is currently insufficient to determine the role of this variant in disease. Therefore, it has been classified as a Variant of Uncertain Significance.